The following is an entry in ClinVar:

ClinVar aggregate classification (germline): Uncertain significance (1 of 4 stars; one submission).

Conditions:
Spastic paraplegia. Identifiers: MedGen C0037772, HP:0001258.

Submission:

Labcorp Genetics (formerly Invitae), Labcorp
Classification: Uncertain significance for Spastic paraplegia. Last evaluated: 2024-08-12. Review status: criteria provided, single submitter. Criteria: Invitae Variant Classification Sherloc (09022015). Collection method: clinical testing. Allele origin: germline.
Comment: This sequence change replaces threonine, which is neutral and polar, with lysine, which is basic and polar, at codon 381 of the HSPD1 protein (p.Thr381Lys). This variant is not present in population databases (gnomAD no frequency). This variant has not been reported in the literature in individuals affected with HSPD1-related conditions. Advanced modeling of protein sequence and biophysical properties (such as structural, functional, and spatial information, amino acid conservation, physicochemical variation, residue mobility, and thermodynamic stability) performed at Invitae indicates that this missense variant is not expected to disrupt HSPD1 protein function with a negative predictive value of 80%. In summary, the available evidence is currently insufficient to determine the role of this variant in disease. Therefore, it has been classified as a Variant of Uncertain Significance.

NM_002156.5(HSPD1):c.1142C>A (p.Thr381Lys)

Gene: HSPD1 (heat shock protein family D (Hsp60) member 1; minus strand). Cytogenetic location: 2q33.1.
Variant type: single nucleotide variant.
Coding change: c.1142C>A on transcript NM_002156.5 (MANE Select); coding-DNA position 1142, C replaced by A.
Protein change: p.Thr381Lys; replaces threonine 381 with lysine.
Molecular consequence: missense variant.
Genome position (GRCh38, 1-based): chr2:197,489,075, G>T on the plus strand (C>A on the coding strand, the complement: HSPD1 is on the minus strand). VCF-style: chr2-197489075-G-T. GRCh37 (hg19) VCF-style: chr2-198353799-G-T.
Other names: c.1142C>A, p.Thr381Lys (NM_199440.2); short protein forms T381K.
Identifiers: ClinVar variation 3698565 (VCV003698565.2).
Genomic context (GRCh38, chr2:197,489,075, plus strand): 5'-ACTCCATCTGAAAGTTTTGCAAGCCGTTCATTCAGTTTTTCCTTTTCATATTCACTAGTT[G>T]TGACATCTAACTGCTCAATGATTTCTTGAATACGTTTTTCAATTTGAGCCTTGTCACCTT-3'
Protein context (NP_002147.2, residues 371-391): IQEIIEQLDV[Thr381Lys]TSEYEKEKLN